The following is an entry in ClinVar:

NM_001114753.3(ENG):c.229del (p.Gln77fs)

Gene: ENG (endoglin; minus strand). Cytogenetic location: 9q34.11.
Variant type: Deletion.
Coding change: c.229del on transcript NM_001114753.3 (MANE Select); coding-DNA position 229, one base deleted (C; older notation c.229delC).
Protein change: p.Gln77fs; shifts the reading frame from glutamine 77.
Molecular consequence: frameshift variant. On other transcripts: 5 prime UTR variant (1).
Genome position (GRCh38, 1-based): chr9:127,829,818, G deleted on the plus strand (C on the coding strand, the reverse complement: ENG is on the minus strand). VCF-style (leftmost placement, unchanged base first): chr9-127829817-TG-T. GRCh37 (hg19) VCF-style: chr9-130592096-TG-T.
Other names: c.229delC (NM_000118.3); c.229delC, p.Gln77Serfs (NM_000118.4, NM_001406715.1); c.-318del (NM_001278138.2); short protein forms Q77fs.
Identifiers: ClinVar variation 458344 (VCV000458344.11), dbSNP rs1554810928, ClinGen allele CA658656048.

ClinVar aggregate classification (germline): Pathogenic. Review status: criteria provided, single submitter (1 of 4 stars). 2 submissions from 2 submitters: Pathogenic (1). 1 of the submissions does not count toward it. Last evaluated 2017-04-16.

Conditions:
Hereditary hemorrhagic telangiectasia (HHT). Also called: ORW DISEASE; Osler Weber Rendu syndrome; OSLER-RENDU-WEBER DISEASE; Osler hemorrhagic telangiectasia syndrome. Identifiers: Orphanet 774, MedGen C0039445, MONDO:0019180. Disease mechanism: loss of function.
ENG-related disorder. Also called: ENG-related condition; ENG-related disorders.

Submissions (2):

Labcorp Genetics (formerly Invitae), Labcorp
Classification: Pathogenic for Hereditary hemorrhagic telangiectasia. Last evaluated: 2017-04-16. Review status: criteria provided, single submitter. Criteria: Invitae Variant Classification Sherloc (09022015). Collection method: clinical testing. Allele origin: germline.
Comment: This sequence change deletes 1 nucleotide in exon 3 of the ENG mRNA (c.229delC), causing a frameshift at codon 77. This creates a premature translational stop signal (p.Gln77Serfs*4) and is expected to result in an absent or disrupted protein product. While this particular variant has not been reported in the literature, loss-of-function variants in ENG are known to be pathogenic (PMID: 20656886, 15879500, 22385575). For these reasons, this variant has been classified as Pathogenic.

PreventionGenetics, part of Exact Sciences
Classification: Likely pathogenic for ENG-related condition. Last evaluated: 2024-07-18. Review status: no assertion criteria provided. Collection method: clinical testing. Allele origin: germline. Not counted in ClinVar's aggregate classification.
Comment: The ENG c.229delC variant is predicted to result in a frameshift and premature protein termination (p.Gln77Serfs*4). To our knowledge, this variant has not been reported in the literature or in a large population database, indicating this variant is rare. Frameshift variants in ENG are expected to be pathogenic. This variant is interpreted as likely pathogenic.

Literature cited by the submitters: PubMed 20656886 (cited by Labcorp Genetics (formerly Invitae), Labcorp); PubMed 15879500 (cited by Labcorp Genetics (formerly Invitae), Labcorp); PubMed 22385575 (cited by Labcorp Genetics (formerly Invitae), Labcorp).